The following is an entry in ClinVar:

NM_001430.5(EPAS1):c.630T>A (p.Ser210Arg)

Genes: EPAS1 (endothelial PAS domain protein 1; plus strand), LOC126806210 (BRD4-independent group 4 enhancer GRCh37_chr2:46587586-46588785; plus strand). Cytogenetic location: 2p21.
Variant type: single nucleotide variant.
Coding change: c.630T>A on transcript NM_001430.5 (MANE Select); coding-DNA position 630, T replaced by A.
Protein change: p.Ser210Arg; replaces serine 210 with arginine.
Molecular consequence: missense variant.
Genome position (GRCh38, 1-based): chr2:46,360,941, T>A. VCF-style: chr2-46360941-T-A. GRCh37 (hg19) VCF-style: chr2-46588080-T-A.
Other names: short protein forms S210R.
Identifiers: ClinVar variation 2626641 (VCV002626641.2), dbSNP rs2546455380, ClinGen allele CA346699944.

ClinVar aggregate classification (germline): Uncertain significance (1 of 4 stars; one submission).

Conditions:
Inborn genetic diseases. Identifiers: MedGen C0950123, MeSH D030342.

Submission:

Ambry Genetics
Classification: Uncertain significance for Inborn genetic diseases. Last evaluated: 2023-07-07. Review status: criteria provided, single submitter. Criteria: Ambry Variant Classification Scheme 2023. Collection method: clinical testing. Allele origin: germline.
Comment: The p.S210R variant (also known as c.630T>A), located in coding exon 6 of the EPAS1 gene, results from a T to A substitution at nucleotide position 630. The serine at codon 210 is replaced by arginine, an amino acid with dissimilar properties. This amino acid position is conserved. In addition, this alteration is predicted to be tolerated by in silico analysis. Since supporting evidence is limited at this time, the clinical significance of this alteration remains unclear.